The following is an entry in ClinVar:

ClinVar aggregate classification (germline): Uncertain significance (1 of 4 stars; one submission).

Conditions:
Renal cell carcinoma. Identifiers: Orphanet 217071, MedGen C0007134, MeSH D002292, MONDO:0005086, HP:0005584.

Allele frequency attached by ClinVar (database versions not stated): ExAC 0.00001; gnomAD 0.00001; 1000 Genomes Project 30x 0.00016; 1000 Genomes Project 0.00020.
gnomAD v4.1: 1 of 1,614,080 alleles (0.000062%); highest among the groups gnomAD compares: South Asian, 0.0011%; no homozygotes.

Submission:

Labcorp Genetics (formerly Invitae), Labcorp
Classification: Uncertain significance for Renal cell carcinoma. Last evaluated: 2023-10-16. Review status: criteria provided, single submitter. Criteria: Invitae Variant Classification Sherloc (09022015). Collection method: clinical testing. Allele origin: germline.
Comment: This sequence change replaces valine, which is neutral and non-polar, with methionine, which is neutral and non-polar, at codon 216 of the MET protein (p.Val216Met). This variant is present in population databases (rs571453992, gnomAD 0.003%). This variant has not been reported in the literature in individuals affected with MET-related conditions. Advanced modeling of protein sequence and biophysical properties (such as structural, functional, and spatial information, amino acid conservation, physicochemical variation, residue mobility, and thermodynamic stability) performed at Invitae indicates that this missense variant is not expected to disrupt MET protein function. In summary, the available evidence is currently insufficient to determine the role of this variant in disease. Therefore, it has been classified as a Variant of Uncertain Significance.

NM_000245.4(MET):c.646G>A (p.Val216Met)

Gene: MET (MET proto-oncogene, receptor tyrosine kinase; plus strand). Cytogenetic location: 7q31.2.
Variant type: single nucleotide variant.
Coding change: c.646G>A on transcript NM_000245.4 (MANE Select); coding-DNA position 646, G replaced by A.
Protein change: p.Val216Met; replaces valine 216 with methionine.
Molecular consequence: missense variant. On other transcripts: intron variant (1).
Genome position (GRCh38, 1-based): chr7:116,699,730, G>A. VCF-style: chr7-116699730-G-A. GRCh37 (hg19) VCF-style: chr7-116339784-G-A.
Other names: c.646G>A, p.Val216Met (NM_001127500.3, NM_001324401.3); c.-91+27153G>A (NM_001324402.2); short protein forms V216M.
Identifiers: ClinVar variation 2768974 (VCV002768974.3), dbSNP rs571453992, ClinGen allele CA4448013.
Genomic context (GRCh38, chr7:116,699,730, plus strand): 5'-TTTGTAGGCAATACCATAAATTCTTCTTATTTCCCAGATCATCCATTGCATTCGATATCA[G>A]TGAGAAGGCTAAAGGAAACGAAAGATGGTTTTATGTTTTTGACGGACCAGTCCTACATTG-3'
Protein context (NP_000236.2, residues 206-226): FPDHPLHSIS[Val216Met]RRLKETKDGF